The following is an entry in ClinVar:

NM_017755.6(NSUN2):c.290A>G (p.Lys97Arg)

Gene: NSUN2 (NOP2/Sun RNA methyltransferase 2; minus strand). Cytogenetic location: 5p15.31.
Variant type: single nucleotide variant.
Coding change: c.290A>G on transcript NM_017755.6 (MANE Select); coding-DNA position 290, A replaced by G.
Protein change: p.Lys97Arg; replaces lysine 97 with arginine.
Molecular consequence: missense variant. On other transcripts: non-coding transcript variant (1), intron variant (1).
Genome position (GRCh38, 1-based): chr5:6,631,942, T>C on the plus strand (A>G on the coding strand, the complement: NSUN2 is on the minus strand). VCF-style: chr5-6631942-T-C. GRCh37 (hg19) VCF-style: chr5-6632055-T-C.
Other names: c.254+657A>G (NM_001193455.2); c.290A>G (NM_017755.5); short protein forms K97R.
Identifiers: ClinVar variation 2182001 (VCV002182001.2), dbSNP rs752692628, ClinGen allele CA3192856.

ClinVar aggregate classification (germline): Uncertain significance. Review status: criteria provided, multiple submitters, no conflicts (2 of 4 stars). 2 submissions from 2 submitters: Uncertain significance (2). Last evaluated 2024-08-10.

Conditions:
Inborn genetic diseases. Identifiers: MedGen C0950123, MeSH D030342.

Allele frequency attached by ClinVar (database versions not stated): ExAC 0.00002; gnomAD 0.00002; TOPMed 0.00002; gnomAD exomes 0.00005.
gnomAD v4.1: 70 of 1,613,926 alleles (0.0043%); highest among the groups gnomAD compares: East Asian, 0.14%; no homozygotes.

Submissions (2):

Ambry Genetics
Classification: Uncertain significance for Inborn genetic diseases. Last evaluated: 2024-08-10. Review status: criteria provided, single submitter. Criteria: Ambry Variant Classification Scheme 2023. Collection method: clinical testing. Allele origin: germline.

Labcorp Genetics (formerly Invitae), Labcorp
Classification: Uncertain significance. Last evaluated: 2022-07-15. Review status: criteria provided, single submitter. Criteria: Invitae Variant Classification Sherloc (09022015). Collection method: clinical testing. Allele origin: germline.
Comment: This sequence change replaces lysine, which is basic and polar, with arginine, which is basic and polar, at codon 97 of the NSUN2 protein (p.Lys97Arg). This variant is present in population databases (rs752692628, gnomAD 0.03%). This variant has not been reported in the literature in individuals affected with NSUN2-related conditions. Algorithms developed to predict the effect of missense changes on protein structure and function (SIFT, PolyPhen-2, Align-GVGD) all suggest that this variant is likely to be tolerated. In summary, the available evidence is currently insufficient to determine the role of this variant in disease. Therefore, it has been classified as a Variant of Uncertain Significance.